The following is an entry in ClinVar:

ClinVar aggregate classification (germline): Conflicting classifications of pathogenicity. Review status: criteria provided, conflicting classifications (1 of 4 stars). 2 submissions from 2 submitters: Uncertain significance (1); Likely benign (1). Last evaluated 2025-02-25.

Conditions:
Familial thoracic aortic aneurysm and aortic dissection (TAAD). Also called: Thoracic aortic aneurysms and dissections. Identifiers: Orphanet 91387, MedGen C4707243, MONDO:0019625.
Ehlers-Danlos syndrome, type 4 (EDSVASC). Also called: Ehlers-Danlos syndrome vascular type; Ehlers Danlos syndrome, ecchymotic type; Ehlers Danlos syndrome, arterial type; Ehlers Danlos syndrome, Sack-Barabas type; Ehlers-Danlos Syndrome Type IV. Identifiers: Orphanet 286, MedGen C0268338, MONDO:0017314, OMIM 130050.

Allele frequency attached by ClinVar (database versions not stated): ExAC 0.00001.
gnomAD v4.1: 3 of 1,614,118 alleles (0.00019%); highest among the groups gnomAD compares: African/African-American, 0.004%; no homozygotes.

Submissions (2):

Ambry Genetics
Classification: Likely benign for Familial thoracic aortic aneurysm and aortic dissection. Last evaluated: 2025-02-25. Review status: criteria provided, single submitter. Criteria: Ambry Variant Classification Scheme 2023. Collection method: clinical testing. Allele origin: germline.

Labcorp Genetics (formerly Invitae), Labcorp
Classification: Uncertain significance for Ehlers-Danlos syndrome, type 4. Last evaluated: 2023-03-23. Review status: criteria provided, single submitter. Criteria: Invitae Variant Classification Sherloc (09022015). Collection method: clinical testing. Allele origin: germline.
Comment: In summary, the available evidence is currently insufficient to determine the role of this variant in disease. Therefore, it has been classified as a Variant of Uncertain Significance. Advanced modeling of protein sequence and biophysical properties (such as structural, functional, and spatial information, amino acid conservation, physicochemical variation, residue mobility, and thermodynamic stability) performed at Invitae indicates that this missense variant is not expected to disrupt COL3A1 protein function. This variant has not been reported in the literature in individuals affected with COL3A1-related conditions. This variant is present in population databases (rs746035610, gnomAD 0.007%). This sequence change replaces aspartic acid, which is acidic and polar, with glutamic acid, which is acidic and polar, at codon 1252 of the COL3A1 protein (p.Asp1252Glu).

NM_000090.4(COL3A1):c.3756T>G (p.Asp1252Glu)

Gene: COL3A1 (collagen type III alpha 1 chain; plus strand). Cytogenetic location: 2q32.2.
Variant type: single nucleotide variant.
Coding change: c.3756T>G on transcript NM_000090.4 (MANE Select); coding-DNA position 3756, T replaced by G.
Protein change: p.Asp1252Glu; replaces aspartic acid 1252 with glutamic acid.
Molecular consequence: missense variant.
Genome position (GRCh38, 1-based): chr2:189,009,154, T>G. VCF-style: chr2-189009154-T-G. GRCh37 (hg19) VCF-style: chr2-189873880-T-G.
Other names: short protein forms D1252E.
Identifiers: ClinVar variation 2902761 (VCV002902761.4), dbSNP rs746035610, ClinGen allele CA076263.
Genomic context (GRCh38, chr2:189,009,154, plus strand): 5'-TGAGATTATGACTTCACTCAAGTCTGTTAATGGACAAATAGAAAGCCTCATTAGTCCTGA[T>G]GGTTCTCGTAAAAACCCCGCTAGAAACTGCAGAGACCTGAAATTCTGCCATCCTGAACTC-3'
Protein context (NP_000081.2, residues 1242-1262): NGQIESLISP[Asp1252Glu]GSRKNPARNC